The following is an entry in ClinVar:

ClinVar aggregate classification (germline): Uncertain significance (1 of 4 stars; one submission).

Submission:

Labcorp Genetics (formerly Invitae), Labcorp
Classification: Uncertain significance. Last evaluated: 2021-04-05. Review status: criteria provided, single submitter. Criteria: Invitae Variant Classification Sherloc (09022015). Collection method: clinical testing. Allele origin: germline.
Comment: This sequence change replaces alanine with isoleucine at codon 1382 of the MCM3AP protein (p.Ala1382Ile). The alanine residue is weakly conserved and there is a moderate physicochemical difference between alanine and isoleucine. This variant has not been reported in the literature in individuals with MCM3AP-related conditions. Algorithms developed to predict the effect of missense changes on protein structure and function are either unavailable or do not agree on the potential impact of this missense change (SIFT: "Not Available"; PolyPhen-2: "Benign"; Align-GVGD: "Not Available"). In summary, the available evidence is currently insufficient to determine the role of this variant in disease. Therefore, it has been classified as a Variant of Uncertain Significance. The frequency data for this variant in the population databases is not available, as this variant may be reported as separate entries in the ExAC database.

NM_003906.5(MCM3AP):c.4144_4145delinsAT (p.Ala1382Ile)

Genes: MCM3AP (minichromosome maintenance complex component 3 associated protein; minus strand), MCM3AP-AS1 (MCM3AP antisense RNA 1; plus strand). Cytogenetic location: 21q22.3.
Variant type: Indel.
Coding change: c.4144_4145delinsAT on transcript NM_003906.5 (MANE Select); coding-DNA positions 4144 to 4145, GC replaced by AT.
Protein change: p.Ala1382Ile; replaces alanine 1382 with isoleucine.
Molecular consequence: missense variant. On other transcripts: non-coding transcript variant (2).
Genome position (GRCh38, 1-based): chr21:46,251,674-46,251,675, GC replaced by AT on the plus strand (GC replaced by AT on the coding strand, the reverse complement: MCM3AP is on the minus strand). VCF-style: chr21-46251674-GC-AT. GRCh37 (hg19) VCF-style: chr21-47671588-GC-AT.
Other names: short protein forms A1382I.
Identifiers: ClinVar variation 1419360 (VCV001419360.6), dbSNP rs2145636335, ClinGen allele CA2573157517.